The following is an entry in ClinVar:

NM_032638.5(GATA2):c.886G>A (p.Val296Ile)

Gene: GATA2 (GATA binding protein 2; minus strand). Cytogenetic location: 3q21.3.
Variant type: single nucleotide variant.
Coding change: c.886G>A on transcript NM_032638.5 (MANE Select); coding-DNA position 886, G replaced by A.
Protein change: p.Val296Ile; replaces valine 296 with isoleucine.
Molecular consequence: missense variant.
Genome position (GRCh38, 1-based): chr3:128,483,991, C>T on the plus strand (G>A on the coding strand, the complement: GATA2 is on the minus strand). VCF-style: chr3-128483991-C-T. GRCh37 (hg19) VCF-style: chr3-128202834-C-T.
Other names: c.886G>A, p.Val296Ile (NM_001145661.2, NM_001145662.1); short protein forms V296I.
Identifiers: ClinVar variation 2943068 (VCV002943068.5), dbSNP rs2472925270, ClinGen allele CA354404926.

ClinVar aggregate classification (germline): Uncertain significance. Review status: criteria provided, multiple submitters, no conflicts (2 of 4 stars). 2 submissions from 2 submitters: Uncertain significance (2). Last evaluated 2024-11-19.

Conditions:
Monocytopenia with susceptibility to infections. Also called: MONOCYTOPENIA AND MYCOBACTERIAL INFECTION SYNDROME; MONOCYTOPENIA WITH SUSCEPTIBILITY TO MYCOBACTERIAL, FUNGAL, AND PAPILLOMAVIRUS INFECTIONS AND MYELODYSPLASIA; COMBINED IMMUNODEFICIENCY WITH SUSCEPTIBILITY TO MYCOBACTERIAL, VIRAL, AND FUNGAL INFECTIONS; Dendritic cell, monocyte, B lymphocyte, and natural killer lymphocyte deficiency; IMMUNODEFICIENCY 21; GATA2 DEFICIENCY. Identifiers: Orphanet 228423, MedGen C3280030, MONDO:0013607, OMIM 614172.
Deafness-lymphedema-leukemia syndrome. Also called: Lymphedema, primary, with myelodysplasia; Emberger syndrome. Identifiers: Orphanet 3226, MedGen C3279664, MONDO:0013540, OMIM 614038.

Submissions (2):

Dasa
Classification: Uncertain significance. Last evaluated: 2024-11-19. Review status: criteria provided, single submitter. Criteria: DASA Assertion Criteria. Collection method: clinical testing. Allele origin: germline.
Comment: NM_032638.5(GATA2):c.886G>A (p.Val296Ile) is a missense variant that results in the substitution of valine with isoleucine. This variant is absent from population databases. Computational prediction algorithms are consistent with a deleterious effect. The currently available literature and clinical evidence are not sufficient to establish a definitive association between this variant and the reported condition. Therefore, this variant is classified as a variant of uncertain significance.

Labcorp Genetics (formerly Invitae), Labcorp
Classification: Uncertain significance for Monocytopenia with susceptibility to infections; Deafness-lymphedema-leukemia syndrome. Last evaluated: 2023-01-10. Review status: criteria provided, single submitter. Criteria: Invitae Variant Classification Sherloc (09022015). Collection method: clinical testing. Allele origin: germline.
Comment: Advanced modeling of protein sequence and biophysical properties (such as structural, functional, and spatial information, amino acid conservation, physicochemical variation, residue mobility, and thermodynamic stability) has been performed at Invitae for this missense variant, however the output from this modeling did not meet the statistical confidence thresholds required to predict the impact of this variant on GATA2 protein function. In summary, the available evidence is currently insufficient to determine the role of this variant in disease. Therefore, it has been classified as a Variant of Uncertain Significance. This variant has not been reported in the literature in individuals affected with GATA2-related conditions. This variant is not present in population databases (gnomAD no frequency). This sequence change replaces valine, which is neutral and non-polar, with isoleucine, which is neutral and non-polar, at codon 296 of the GATA2 protein (p.Val296Ile).